The following is an entry in ClinVar:

ClinVar aggregate classification (germline): Uncertain significance (1 of 4 stars; one submission).

Conditions:
Surfactant metabolism dysfunction, pulmonary, 4 (SMDP4). Also called: PAP DUE TO CSF2RA DEFICIENCY; PULMONARY ALVEOLAR PROTEINOSIS, CONGENITAL, 4; CSF2RA DEFICIENCY. Identifiers: Orphanet 264675, MedGen C2677877, MONDO:0010424, OMIM 300770.

Submission:

Labcorp Genetics (formerly Invitae), Labcorp
Classification: Uncertain significance for Surfactant metabolism dysfunction, pulmonary, 4. Last evaluated: 2022-10-17. Review status: criteria provided, single submitter. Criteria: Invitae Variant Classification Sherloc (09022015). Collection method: clinical testing. Allele origin: germline.
Comment: In summary, the available evidence is currently insufficient to determine the role of this variant in disease. Therefore, it has been classified as a Variant of Uncertain Significance. Advanced modeling of protein sequence and biophysical properties (such as structural, functional, and spatial information, amino acid conservation, physicochemical variation, residue mobility, and thermodynamic stability) performed at Invitae indicates that this missense variant is not expected to disrupt CSF2RA protein function. This variant has not been reported in the literature in individuals affected with CSF2RA-related conditions. This variant is not present in population databases (gnomAD no frequency). This sequence change replaces threonine, which is neutral and polar, with serine, which is neutral and polar, at codon 119 of the CSF2RA protein (p.Thr119Ser).

NM_172245.4(CSF2RA):c.356C>G (p.Thr119Ser)

Gene: CSF2RA (colony stimulating factor 2 receptor subunit alpha; plus strand). Cytogenetic location: Xp22.33.
Variant type: single nucleotide variant.
Coding change: c.356C>G on transcript NM_172245.4 (MANE Select); coding-DNA position 356, C replaced by G.
Protein change: p.Thr119Ser; replaces threonine 119 with serine.
Molecular consequence: missense variant. On other transcripts: 5 prime UTR variant (1), non-coding transcript variant (1).
Genome position (GRCh38, 1-based): chrX:1,288,771, C>G. VCF-style: chrX-1288771-C-G. GRCh37 (hg19) VCF-style: chrX-1407664-C-G.
Other names: c.356C>G, p.Thr119Ser (NM_001161529.2, NM_001161530.2, NM_001161531.2 and 21 more transcripts); c.-44C>G (NM_001161532.2); short protein forms T119S.
Identifiers: ClinVar variation 1717474 (VCV001717474.5), dbSNP rs2521948661, ClinGen allele CA412235211.